The following is an entry in ClinVar:

ClinVar aggregate classification (germline): Uncertain significance (1 of 4 stars; one submission).

Conditions:
Hereditary cancer-predisposing syndrome. Also called: Hereditary neoplastic syndrome; Neoplastic Syndromes, Hereditary; Tumor predisposition; Hereditary Cancer Syndrome. Identifiers: Orphanet 140162, MedGen C0027672, MeSH D009386, MONDO:0015356.

Submission:

Ambry Genetics
Classification: Uncertain significance for Hereditary cancer-predisposing syndrome. Last evaluated: 2021-03-11. Review status: criteria provided, single submitter. Criteria: Ambry Variant Classification Scheme 2023. Collection method: clinical testing. Allele origin: germline.
Comment: The p.M2935R variant (also known as c.8804T>G), located in coding exon 60 of the ATM gene, results from a T to G substitution at nucleotide position 8804. The methionine at codon 2935 is replaced by arginine, an amino acid with similar properties. This amino acid position is well conserved in available vertebrate species. In addition, this alteration is predicted to be deleterious by in silico analysis. Since supporting evidence is limited at this time, the clinical significance of this alteration remains unclear.

NM_000051.4(ATM):c.8804T>G (p.Met2935Arg)

Genes: ATM (ATM serine/threonine kinase; plus strand), C11orf65 (chromosome 11 open reading frame 65; minus strand). Cytogenetic location: 11q22.3.
Variant type: single nucleotide variant.
Coding change: c.8804T>G on transcript NM_000051.4 (MANE Select); coding-DNA position 8804, T replaced by G.
Protein change: p.Met2935Arg; replaces methionine 2935 with arginine.
Molecular consequence: missense variant. On other transcripts: intron variant (2).
Genome position (GRCh38, 1-based): chr11:108,354,828, T>G. VCF-style: chr11-108354828-T-G. GRCh37 (hg19) VCF-style: chr11-108225555-T-G.
Other names: c.8804T>G, p.Met2935Arg (NM_001351834.2); c.640+31092A>C (NM_001330368.2); c.695-19536A>C (NM_001351110.2); short protein forms M2935R.
Identifiers: ClinVar variation 1764739 (VCV001764739.2), dbSNP rs2137348119, ClinGen allele CA382525683.